The following is an entry in ClinVar:

ClinVar aggregate classification (germline): Uncertain significance (1 of 4 stars; one submission).

Conditions:
KSR2-related disorder. Also called: KSR2-related condition.

gnomAD v4.1: 2 of 1,613,230 alleles (0.00012%); highest among the groups gnomAD compares: Non-Finnish European, 0.00017%; no homozygotes.

Submission:

PreventionGenetics, part of Exact Sciences
Classification: Uncertain significance for KSR2-related condition. Last evaluated: 2026-09-17. Review status: criteria provided, single submitter. Criteria: ACMG Guidelines, 2015. Collection method: clinical testing. Allele origin: germline.
Comment: The KSR2 c.971C>G variant is predicted to result in the amino acid substitution p.Ser324Cys. To our knowledge, this variant has not been reported in the literature or in a large population database (gnomAD), indicating this variant is rare. At this time, the clinical significance of this variant is uncertain due to the absence of conclusive functional and genetic evidence.

NM_173598.6(KSR2):c.1058C>G (p.Ser353Cys)

Gene: KSR2 (kinase suppressor of ras 2; minus strand). Cytogenetic location: 12q24.22.
Variant type: single nucleotide variant.
Coding change: c.1058C>G on transcript NM_173598.6 (MANE Select); coding-DNA position 1058, C replaced by G.
Protein change: p.Ser353Cys; replaces serine 353 with cysteine.
Molecular consequence: missense variant.
Genome position (GRCh38, 1-based): chr12:117,667,587, G>C on the plus strand (C>G on the coding strand, the complement: KSR2 is on the minus strand). VCF-style: chr12-117667587-G-C. GRCh37 (hg19) VCF-style: chr12-118105392-G-C.
Other names: short protein forms S353C.
Identifiers: ClinVar variation 4978618 (VCV004978618.1).